The following is an entry in ClinVar:

ClinVar aggregate classification (germline): Likely benign (1 of 4 stars; one submission).

Allele frequency attached by ClinVar (database versions not stated): ExAC 0.00001; gnomAD 0.00003.
gnomAD v4.1: 55 of 1,613,492 alleles (0.0034%); highest among the groups gnomAD compares: Admixed American, 0.013%; no homozygotes.

Submission:

CeGaT Center for Human Genetics Tuebingen
Classification: Likely benign. Last evaluated: 2022-03-01. Review status: criteria provided, single submitter. Criteria: CeGaT Center For Human Genetics Tuebingen Variant Classification Criteria Version 2. Collection method: clinical testing. Allele origin: germline. Affected: yes. Observed: 1 variant allele.
Comment: TRAK1: BP4, BP7

NM_001042646.3(TRAK1):c.1662C>T (p.Ser554=)

Gene: TRAK1 (trafficking kinesin protein 1; plus strand). Cytogenetic location: 3p22.1.
Variant type: single nucleotide variant.
Coding change: c.1662C>T on transcript NM_001042646.3 (MANE Select); coding-DNA position 1662, C replaced by T.
Protein change: p.Ser554=; no amino-acid change (serine 554 retained).
Molecular consequence: synonymous variant. On other transcripts: non-coding transcript variant (1).
Genome position (GRCh38, 1-based): chr3:42,202,670, C>T. VCF-style: chr3-42202670-C-T. GRCh37 (hg19) VCF-style: chr3-42244162-C-T.
Other names: c.1662C>T, p.Ser554= (NM_001265608.2, NM_001349246.2, NM_001349247.2); c.1440C>T, p.Ser480= (NM_001265609.2, NM_001265610.1, NM_001349248.1 and 1 more transcripts); c.1350C>T, p.Ser450= (NM_001349245.1); c.1488C>T, p.Ser496= (NM_001410741.1, NM_014965.5).
Identifiers: ClinVar variation 2653705 (VCV002653705.24), dbSNP rs749632005, ClinGen allele CA2333547.